The following is an entry in ClinVar:

NM_001048174.2(MUTYH):c.65G>C (p.Arg22Thr)

Gene: MUTYH (mutY DNA glycosylase; minus strand). Cytogenetic location: 1p34.1.
Variant type: single nucleotide variant.
Coding change: c.65G>C on transcript NM_001048174.2 (MANE Select); coding-DNA position 65, G replaced by C.
Protein change: p.Arg22Thr; replaces arginine 22 with threonine.
Molecular consequence: missense variant. On other transcripts: 5 prime UTR variant (7), non-coding transcript variant (7).
Genome position (GRCh38, 1-based): chr1:45,334,441, C>G on the plus strand (G>C on the coding strand, the complement: MUTYH is on the minus strand). VCF-style: chr1-45334441-C-G. GRCh37 (hg19) VCF-style: chr1-45800113-C-G.
Other names: c.65G>C, p.Arg22Thr (NM_001048171.2, NM_001048172.2, NM_001048173.2 and 15 more transcripts); c.107G>C, p.Arg36Thr (NM_001128425.2, NM_001293190.2, NM_001407069.1 and 2 more transcripts); c.-148G>C (NM_001293192.2, NM_001293196.2, NM_001407091.1); c.-207G>C (NM_001350650.2); c.-143G>C (NM_001350651.2, NM_001407082.1); c.-92G>C (NM_001407075.1); c.83G>C, p.Arg28Thr (NM_001407087.1); short protein forms R28T, R36T, R22T.
Identifiers: ClinVar variation 4112986 (VCV004112986.1).

ClinVar aggregate classification (germline): Uncertain significance (1 of 4 stars; one submission).

Conditions:
Hereditary cancer-predisposing syndrome. Also called: Tumor predisposition; Neoplastic Syndromes, Hereditary; Hereditary neoplastic syndrome; Hereditary Cancer Syndrome. Identifiers: Orphanet 140162, MedGen C0027672, MeSH D009386, MONDO:0015356.

Submission:

Ambry Genetics
Classification: Uncertain significance for Hereditary cancer-predisposing syndrome. Last evaluated: 2025-08-27. Review status: criteria provided, single submitter. Criteria: Ambry Variant Classification Scheme 2023. Collection method: clinical testing. Allele origin: germline.
Comment: The p.R36T variant (also known as c.107G>C), located in coding exon 2 of the MUTYH gene, results from a G to C substitution at nucleotide position 107. The arginine at codon 36 is replaced by threonine, an amino acid with similar properties. This amino acid position is conserved. In addition, this alteration is predicted to be tolerated by in silico analysis. Based on the available evidence, the clinical significance of this variant remains unclear.